The following is an entry in ClinVar:

NM_001759.4(CCND2):c.598_600dup (p.Ser200_Met201insSer)

Gene: CCND2 (cyclin D2; plus strand). Cytogenetic location: 12p13.32.
Variant type: Duplication.
Coding change: c.598_600dup on transcript NM_001759.4 (MANE Select); coding-DNA positions 598 to 600, 3 bases duplicated (TCG; older notation c.598_600dupTCG).
Protein change: p.Ser200_Met201insSer.
Molecular consequence: inframe insertion.
Genome position (GRCh38, 1-based): chr12:4,288,868-4,288,870, TCG duplicated; duplicating any 3 consecutive bases within chr12:4,288,866-4,288,870 gives the same sequence; the c. name uses the placement nearest the transcript's 3' end. VCF-style (leftmost placement, unchanged base first): chr12-4288865-C-CCGT. GRCh37 (hg19) VCF-style: chr12-4398031-C-CCGT.
Identifiers: ClinVar variation 5009532 (VCV005009532.2).

ClinVar aggregate classification (germline): Uncertain significance (1 of 4 stars; one submission).

Submission:

GeneDx
Classification: Uncertain significance. Last evaluated: 2026-10-15. Review status: criteria provided, single submitter. Criteria: GeneDx Variant Classification Process June 2021. Collection method: clinical testing. Allele origin: germline.
Comment: Not observed at significant frequency in large population cohorts (gnomAD); In-frame duplication of 1 amino acid(s) in a non-repeat region; Has not been previously published as pathogenic or benign to our knowledge